The following is an entry in ClinVar:

NM_006206.6(PDGFRA):c.628+10T>C

Gene: PDGFRA (platelet derived growth factor receptor alpha; plus strand). Cytogenetic location: 4q12.
Variant type: single nucleotide variant.
Coding change: c.628+10T>C on transcript NM_006206.6 (MANE Select); 10 bases into the intron after coding-DNA position 628, T replaced by C.
Molecular consequence: intron variant.
Genome position (GRCh38, 1-based): chr4:54,263,937, T>C. VCF-style: chr4-54263937-T-C. GRCh37 (hg19) VCF-style: chr4-55130104-T-C.
Other names: c.703+10T>C (NM_001347828.2); c.628+10T>C (NM_001347827.2, NM_001347829.2); c.667+10T>C (NM_001347830.2).
Identifiers: ClinVar variation 707748 (VCV000707748.10), dbSNP rs1379467258, ClinGen allele CA356890260.
Genomic context (GRCh38, chr4:54,263,937, plus strand): 5'-TCAAAGGAAAGAAGTTCCAGACCATCCCATTTAATGTTTATGCTTTAAAAGGTACTTGTA[T>C]CATCTCCTTCCTTCTTTAAATAAGAGTAACAGGCAAAATCATAAGGTGCGTGTAGGATTT-3'

ClinVar aggregate classification (germline): Likely benign. Review status: criteria provided, multiple submitters, no conflicts (2 of 4 stars). 2 submissions from 2 submitters: Likely benign (2). Last evaluated 2026-06-12.

Conditions:
Polyps, multiple and recurrent inflammatory fibroid, gastrointestinal. Identifiers: MedGen C5193005, MONDO:0008285, OMIM 175510.
Gastrointestinal stromal tumor. Also called: Gastrointestinal stromal tumor, somatic; Gastrointestinal stroma tumor. Identifiers: Orphanet 44890, MedGen C0238198, MeSH D046152, MONDO:0011719, OMIM 606764, HP:0100723.

Allele frequency attached by ClinVar (database versions not stated): gnomAD 0.00001; TOPMed 0.00001.
gnomAD v4.1: 1 of 1,612,344 alleles (0.000062%); highest among the groups gnomAD compares: African/African-American, 0.0013%; no homozygotes.

Submissions (2):

Myriad Genetics, Inc.
Classification: Likely benign for Polyps, multiple and recurrent inflammatory fibroid, gastrointestinal. Last evaluated: 2026-06-12. Review status: criteria provided, single submitter. Criteria: Myriad Autosomal Dominant, Autosomal Recessive and X-Linked Classification Criteria (2023). Collection method: clinical testing. Allele origin: unknown.
Comment: This variant is considered likely benign. This variant is intronic and is not expected to impact mRNA splicing.

Labcorp Genetics (formerly Invitae), Labcorp
Classification: Likely benign for Gastrointestinal stromal tumor. Last evaluated: 2018-02-26. Review status: criteria provided, single submitter. Criteria: Invitae Variant Classification Sherloc (09022015). Collection method: clinical testing. Allele origin: germline.